The following is an entry in ClinVar:

NM_000780.4(CYP7A1):c.157C>T (p.Leu53Phe)

Gene: CYP7A1 (cytochrome P450 family 7 subfamily A member 1; minus strand). Cytogenetic location: 8q12.1.
Variant type: single nucleotide variant.
Coding change: c.157C>T on transcript NM_000780.4 (MANE Select); coding-DNA position 157, C replaced by T.
Protein change: p.Leu53Phe; replaces leucine 53 with phenylalanine.
Molecular consequence: missense variant.
Genome position (GRCh38, 1-based): chr8:58,498,393, G>A on the plus strand (C>T on the coding strand, the complement: CYP7A1 is on the minus strand). VCF-style: chr8-58498393-G-A. GRCh37 (hg19) VCF-style: chr8-59410952-G-A.
Other names: c.157C>T (NM_000780.3); short protein forms L53F.
Identifiers: ClinVar variation 593039 (VCV000593039.9), dbSNP rs189424028, ClinGen allele CA4756868.

ClinVar aggregate classification (germline): Conflicting classifications of pathogenicity. Review status: criteria provided, conflicting classifications (1 of 4 stars). 3 submissions from 3 submitters: Uncertain significance (2); Likely benign (1). Last evaluated 2025-08-16.

Allele frequency attached by ClinVar (database versions not stated): gnomAD exomes 0.00002 and 0.00005; TOPMed 0.00002; 1000 Genomes Project 30x 0.00016; ExAC 0.00006; 1000 Genomes Project 0.00020; gnomAD 0.00001.

Submissions (3):

Labcorp Genetics (formerly Invitae), Labcorp
Classification: Uncertain significance. Last evaluated: 2025-08-16. Review status: criteria provided, single submitter. Criteria: Invitae Variant Classification Sherloc (09022015). Collection method: clinical testing. Allele origin: germline.
Comment: This sequence change replaces leucine, which is neutral and non-polar, with phenylalanine, which is neutral and non-polar, at codon 53 of the CYP7A1 protein (p.Leu53Phe). This variant is present in population databases (rs189424028, gnomAD 0.06%), and has an allele count higher than expected for a pathogenic variant. This variant has not been reported in the literature in individuals affected with CYP7A1-related conditions. ClinVar contains an entry for this variant (Variation ID: 593039). Invitae Evidence Modeling of protein sequence and biophysical properties (such as structural, functional, and spatial information, amino acid conservation, physicochemical variation, residue mobility, and thermodynamic stability) indicates that this missense variant is not expected to disrupt CYP7A1 protein function with a negative predictive value of 80%. In summary, the available evidence is currently insufficient to determine the role of this variant in disease. Therefore, it has been classified as a Variant of Uncertain Significance.

Ambry Genetics
Classification: Likely benign. Last evaluated: 2024-01-26. Review status: criteria provided, single submitter. Criteria: Ambry Variant Classification Scheme 2023. Collection method: clinical testing. Allele origin: germline.

Eurofins Ntd Llc (ga)
Classification: Uncertain significance. Last evaluated: 2017-07-03. Review status: criteria provided, single submitter. Criteria: EGL Classification Definitions 2015. Collection method: clinical testing. Allele origin: germline. Observed: 1 variant allele, 1 heterozygote.